The following is an entry in ClinVar:

NM_000057.4(BLM):c.2207_2208delinsTAG (p.Tyr736fs)

Gene: BLM (BLM RecQ like helicase; plus strand). Cytogenetic location: 15q26.1.
Variant type: Indel.
Coding change: c.2207_2208delinsTAG on transcript NM_000057.4 (MANE Select); coding-DNA positions 2207 to 2208, AT replaced by TAG.
Protein change: p.Tyr736fs; shifts the reading frame from tyrosine 736.
Molecular consequence: frameshift variant.
Genome position (GRCh38, 1-based): chr15:90,766,923-90,766,924, AT replaced by TAG. VCF-style: chr15-90766923-AT-TAG. GRCh37 (hg19) VCF-style: chr15-91310153-AT-TAG.
Other names: c.2207_2208delinsTAG, p.Tyr736fs (NM_001287246.2, NM_001287247.2); c.1082_1083delinsTAG, p.Tyr361fs (NM_001287248.2); short protein forms Y361fs, Y736fs.
Identifiers: ClinVar variation 3769311 (VCV003769311.2).
Genomic context (GRCh38, chr15:90,766,923, plus strand): 5'-TCAGGTTAATGTATAAAATTGAAATTGTTTACTACTTTTATACTTAGATTCCAGCTACAT[AT>TAG]CTGACAGGTGATAAGACTGACTCAGAAGCTACAAATATTTACCTCCAGTTATCAAAAAAA-3'

ClinVar aggregate classification (germline): Pathogenic (1 of 4 stars; one submission).

Conditions:
Bloom syndrome (BLM). Also called: Bloom-Torre-Machacek syndrome. Identifiers: Orphanet 125, MedGen C0005859, MONDO:0008876, OMIM 210900.

Submission:

Women's Health and Genetics/Laboratory Corporation of America, LabCorp
Classification: Pathogenic for Bloom syndrome. Last evaluated: 2025-01-02. Review status: criteria provided, single submitter. Criteria: LabCorp Variant Classification Summary - May 2015. Collection method: clinical testing. Allele origin: germline.
Comment: Variant summary: BLM c.2207_2208delinsTAG (p.Tyr736LeufsX5) results in a premature termination codon, predicted to cause absence of the protein due to nonsense mediated decay, which is a commonly known mechanism for disease. The variant was absent in 249632 control chromosomes (gnomAD). To our knowledge, no occurrence of c.2207_2208delinsTAG in individuals affected with Bloom Syndrome and no experimental evidence demonstrating its impact on protein function have been reported. No submitters have cited clinical-significance assessments for this variant to ClinVar. Based on the evidence outlined above, the variant was classified as pathogenic.